The following is an entry in ClinVar:

ClinVar aggregate classification (germline): Uncertain significance. Review status: criteria provided, multiple submitters, no conflicts (2 of 4 stars). 2 submissions from 2 submitters: Uncertain significance (2). Last evaluated 2024-10-22.

Allele frequency attached by ClinVar (database versions not stated): gnomAD exomes below 0.00001 and 0.00002; gnomAD 0.00001.
gnomAD v4.1: 33 of 1,614,072 alleles (0.002%); highest among the groups gnomAD compares: Non-Finnish European, 0.0027%; no homozygotes.

Submissions (2):

Labcorp Genetics (formerly Invitae), Labcorp
Classification: Uncertain significance. Last evaluated: 2024-10-22. Review status: criteria provided, single submitter. Criteria: Invitae Variant Classification Sherloc (09022015). Collection method: clinical testing. Allele origin: germline.
Comment: This sequence change replaces glutamine, which is neutral and polar, with arginine, which is basic and polar, at codon 436 of the RP1 protein (p.Gln436Arg). This variant is present in population databases (no rsID available, gnomAD 0.0009%). This variant has not been reported in the literature in individuals affected with RP1-related conditions. ClinVar contains an entry for this variant (Variation ID: 1354814). An algorithm developed to predict the effect of missense changes on protein structure and function outputs the following: PolyPhen-2: "Benign". The arginine amino acid residue is found in multiple mammalian species, which suggests that this missense change does not adversely affect protein function. In summary, the available evidence is currently insufficient to determine the role of this variant in disease. Therefore, it has been classified as a Variant of Uncertain Significance.

Blueprint Genetics
Classification: Uncertain significance. Last evaluated: 2019-08-19. Review status: criteria provided, single submitter. Criteria: ACMG Guidelines, 2015. Collection method: clinical testing. Allele origin: germline.

NM_006269.2(RP1):c.1307A>G (p.Gln436Arg)

Gene: RP1 (RP1 axonemal microtubule associated; plus strand). Cytogenetic location: 8q12.1.
Variant type: single nucleotide variant.
Coding change: c.1307A>G on transcript NM_006269.2 (MANE Select); coding-DNA position 1307, A replaced by G.
Protein change: p.Gln436Arg; replaces glutamine 436 with arginine.
Molecular consequence: missense variant. On other transcripts: intron variant (1).
Genome position (GRCh38, 1-based): chr8:54,625,189, A>G. VCF-style: chr8-54625189-A-G. GRCh37 (hg19) VCF-style: chr8-55537749-A-G.
Other names: c.787+2901A>G (NM_001375654.1); short protein forms Q436R.
Identifiers: ClinVar variation 1354814 (VCV001354814.9), dbSNP rs1435278772, ClinGen allele CA370989911.
Genomic context (GRCh38, chr8:54,625,189, plus strand): 5'-TGGCTGAAACTTGCAGTTCTGCTAGTTGGGAGAATGCTACTGTGGACACAGATATCATCC[A>G]GGGAACTCAAGACCAAGCAAAGCATCGTTTTTATAGGCCCCCTACACCTGGACTAAGAAG-3'
Protein context (NP_006260.1, residues 426-446): ENATVDTDII[Gln436Arg]GTQDQAKHRF